The following is an entry in ClinVar:

ClinVar aggregate classification (germline): Pathogenic (1 of 4 stars; one submission).

Submission:

CeGaT Center for Human Genetics Tuebingen
Classification: Pathogenic. Last evaluated: 2025-04-01. Review status: criteria provided, single submitter. Criteria: CeGaT Center For Human Genetics Tuebingen Variant Classification Criteria Version 2. Collection method: clinical testing. Allele origin: germline. Affected: yes. Observed: 2 variant alleles.
Comment: GCH1: PVS1, PM2

NM_000161.3(GCH1):c.505del (p.Ala169fs)

Gene: GCH1 (GTP cyclohydrolase 1; minus strand). Cytogenetic location: 14q22.2.
Variant type: Deletion.
Coding change: c.505del on transcript NM_000161.3 (MANE Select); coding-DNA position 505, one base deleted (G; older notation c.505delG).
Protein change: p.Ala169fs; shifts the reading frame from alanine 169.
Molecular consequence: frameshift variant.
Genome position (GRCh38, 1-based): chr14:54,859,685, C deleted on the plus strand (G on the coding strand, the reverse complement: GCH1 is on the minus strand). VCF-style (leftmost placement, unchanged base first): chr14-54859684-GC-G. GRCh37 (hg19) VCF-style: chr14-55326402-GC-G.
Other names: c.505del, p.Ala169fs (NM_001024024.2, NM_001024070.2, NM_001024071.2); c.505delG, p.Ala169Argfs (NM_001424104.1); c.211delG, p.Ala71Argfs (NM_001424105.1); short protein forms A169fs.
Identifiers: ClinVar variation 2578718 (VCV002578718.25), dbSNP rs2504390380, ClinGen allele CA2580618005.